The following is an entry in ClinVar:

NM_002778.4(PSAP):c.1146C>T (p.Cys382=)

Gene: PSAP (prosaposin; minus strand). Cytogenetic location: 10q22.1.
Variant type: single nucleotide variant.
Coding change: c.1146C>T on transcript NM_002778.4 (MANE Select); coding-DNA position 1146, C replaced by T.
Protein change: p.Cys382=; no amino-acid change (cysteine 382 retained).
Molecular consequence: synonymous variant.
Genome position (GRCh38, 1-based): chr10:71,819,760, G>A on the plus strand (C>T on the coding strand, the complement: PSAP is on the minus strand). VCF-style: chr10-71819760-G-A. GRCh37 (hg19) VCF-style: chr10-73579517-G-A.
Other names: c.1155C>T, p.Cys385= (NM_001042465.3); c.1152C>T, p.Cys384= (NM_001042466.3).
Identifiers: ClinVar variation 765408 (VCV000765408.16), dbSNP rs573095617, ClinGen allele CA5547472.

ClinVar aggregate classification (germline): Conflicting classifications of pathogenicity. Review status: criteria provided, conflicting classifications (1 of 4 stars). 6 submissions from 3 submitters: Uncertain significance (3); Benign (1); Likely benign (1). 1 of the submissions does not count toward it. Last evaluated 2026-01-19.

Conditions:
Gaucher disease due to saposin C deficiency. Also called: Saposin C Deficiency; Atypical Gaucher disease due to saposin C deficiency. Identifiers: Orphanet 309252, Orphanet 355, MedGen C1864651, MONDO:0012517, OMIM 610539.
Combined PSAP deficiency (PSAPD). Also called: Encephalopathy due to prosaposin deficiency; PROSAPOSIN DEFICIENCY; COMBINED SAP DEFICIENCY. Identifiers: Orphanet 139406, MedGen C2673635, MONDO:0012719, OMIM 611721.
Krabbe disease due to saposin A deficiency. Also called: KRABBE DISEASE, ATYPICAL, DUE TO SAPOSIN A DEFICIENCY; Saposin A Deficiency. Identifiers: Orphanet 487, MedGen C2673266, MONDO:0012720, OMIM 611722.
Sphingolipid activator protein 1 deficiency. Also called: Metachromatic leukodystrophy due to saposin B deficiency; METACHROMATIC LEUKODYSTROPHY DUE TO CEREBROSIDE SULFATASE ACTIVATOR DEFICIENCY; Saposin B Deficiency. Identifiers: Orphanet 512, MedGen C0268262, MONDO:0009590, OMIM 249900.
Metachromatic leukodystrophy (MLD). Also called: SULFATIDE LIPIDOSIS; ARSA DEFICIENCY; CEREBROSIDE SULFATASE DEFICIENCY; METACHROMATIC LEUKOENCEPHALOPATHY; Arylsulfatase A Deficiency; Cerebral sclerosis diffuse metachromatic form. Identifiers: Orphanet 512, MedGen C0023522, MONDO:0018868, OMIM 250100.

Allele frequency attached by ClinVar (database versions not stated): gnomAD 0.00001; gnomAD exomes 0.00001 and 0.00006; TOPMed 0.00003; ExAC 0.00007; 1000 Genomes Project 30x 0.00016; 1000 Genomes Project 0.00020.

Submissions (6):

Labcorp Genetics (formerly Invitae), Labcorp
Classification: Likely benign for Sphingolipid activator protein 1 deficiency. Last evaluated: 2026-01-19. Review status: criteria provided, single submitter. Criteria: Invitae Variant Classification Sherloc (09022015). Collection method: clinical testing. Allele origin: germline.

Illumina Laboratory Services, Illumina
Classification: Uncertain significance for Sphingolipid activator protein 1 deficiency. Last evaluated: 2018-01-13. Review status: criteria provided, single submitter. Criteria: ICSL Variant Classification Criteria 13 December 2019. Collection method: clinical testing. Allele origin: germline.

Illumina Laboratory Services, Illumina
Classification: Uncertain significance for Combined PSAP deficiency. Last evaluated: 2018-01-13. Review status: criteria provided, single submitter. Criteria: ICSL Variant Classification Criteria 13 December 2019. Collection method: clinical testing. Allele origin: germline.

Illumina Laboratory Services, Illumina
Classification: Benign for Gaucher disease due to saposin C deficiency. Last evaluated: 2018-01-13. Review status: criteria provided, single submitter. Criteria: ICSL Variant Classification Criteria 13 December 2019. Collection method: clinical testing. Allele origin: germline.
Comment: This variant was observed in the ICSL laboratory as part of a predisposition screen in an ostensibly healthy population. It had not been previously curated by ICSL or reported in the Human Gene Mutation Database (HGMD: prior to June 1st, 2018), and was therefore a candidate for classification through an automated scoring system. Utilizing variant allele frequency, disease prevalence and penetrance estimates, and inheritance mode, an automated score was calculated to assess if this variant is too frequent to cause the disease. Based on the score and internal cut-off values, a variant classified as benign is not then subjected to further curation. The score for this variant resulted in a classification of benign for this disease.

Illumina Laboratory Services, Illumina
Classification: Uncertain significance for Krabbe disease due to saposin A deficiency. Last evaluated: 2018-01-13. Review status: criteria provided, single submitter. Criteria: ICSL Variant Classification Criteria 13 December 2019. Collection method: clinical testing. Allele origin: germline.

Natera, Inc.
Classification: Uncertain significance for Metachromatic leukodystrophy. Last evaluated: 2020-04-11. Review status: no assertion criteria provided. Collection method: clinical testing. Allele origin: germline. Not counted in ClinVar's aggregate classification.